The following is an entry in ClinVar:

NM_006180.6(NTRK2):c.1225G>A (p.Asp409Asn)

Gene: NTRK2 (neurotrophic receptor tyrosine kinase 2; plus strand). Cytogenetic location: 9q21.33.
Variant type: single nucleotide variant.
Coding change: c.1225G>A on transcript NM_006180.6 (MANE Select); coding-DNA position 1225, G replaced by A.
Protein change: p.Asp409Asn; replaces aspartic acid 409 with asparagine.
Molecular consequence: missense variant.
Genome position (GRCh38, 1-based): chr9:84,745,002, G>A. VCF-style: chr9-84745002-G-A. GRCh37 (hg19) VCF-style: chr9-87359917-G-A.
Other names: c.1225G>A, p.Asp409Asn (NM_001007097.3, NM_001018064.3, NM_001018065.2 and 15 more transcripts); c.1186G>A, p.Asp396Asn (NM_001291937.2, NM_001369546.1); c.1189G>A, p.Asp397Asn (NM_001369534.1); c.757G>A, p.Asp253Asn (NM_001369535.1, NM_001369536.1, NM_001369550.1 and 2 more transcripts); short protein forms D253N, D396N, D397N, D409N.
Identifiers: ClinVar variation 3676054 (VCV003676054.2).
Genomic context (GRCh38, chr9:84,745,002, plus strand): 5'-TTCTTCCTCATTCCCCCTTTGCCCACTTAAGATTATGGAACTGCAGCGAATGACATCGGG[G>A]ACACCACGAACAGAAGTAATGAAATCCCTTCCACAGACGTCACTGATAAAACCGGTCGGG-3'
Protein context (NP_006171.2, residues 399-419): DYGTAANDIG[Asp409Asn]TTNRSNEIPS

ClinVar aggregate classification (germline): Uncertain significance (1 of 4 stars; one submission).

gnomAD v4.1: 1 of 1,613,872 alleles (0.000062%); highest among the groups gnomAD compares: Non-Finnish European, 0.000085%; no homozygotes.

Submission:

Labcorp Genetics (formerly Invitae), Labcorp
Classification: Uncertain significance. Last evaluated: 2024-03-02. Review status: criteria provided, single submitter. Criteria: Invitae Variant Classification Sherloc (09022015). Collection method: clinical testing. Allele origin: germline.
Comment: This sequence change replaces aspartic acid, which is acidic and polar, with asparagine, which is neutral and polar, at codon 409 of the NTRK2 protein (p.Asp409Asn). This variant is not present in population databases (gnomAD no frequency). This variant has not been reported in the literature in individuals affected with NTRK2-related conditions. Advanced modeling of protein sequence and biophysical properties (such as structural, functional, and spatial information, amino acid conservation, physicochemical variation, residue mobility, and thermodynamic stability) performed at Invitae indicates that this missense variant is expected to disrupt NTRK2 protein function with a positive predictive value of 95%. In summary, the available evidence is currently insufficient to determine the role of this variant in disease. Therefore, it has been classified as a Variant of Uncertain Significance.